The following is an entry in ClinVar:

ClinVar aggregate classification (germline): Likely benign. Review status: criteria provided, multiple submitters, no conflicts (2 of 4 stars). 2 submissions from 2 submitters: Likely benign (2). Last evaluated 2023-06-21.

Conditions:
Glaucoma 1, open angle, E. Identifiers: MedGen C1842026, MONDO:0007665.
Amyotrophic lateral sclerosis type 12 (ALS12). Also called: AMYOTROPHIC LATERAL SCLEROSIS 12 WITH OR WITHOUT FRONTOTEMPORAL DEMENTIA. Identifiers: Orphanet 803, MedGen C3150692, MONDO:0013264, OMIM 613435.
Primary open angle glaucoma (POAG). Also called: OPTN-related open angle glaucoma. Identifiers: MedGen C0339573, MONDO:0100553, OMIM 137760.

Allele frequency attached by ClinVar (database versions not stated): gnomAD exomes below 0.00001; TOPMed below 0.00001; gnomAD 0.00001.
gnomAD v4.1: 2 of 1,614,052 alleles (0.00012%); no homozygotes.

Submissions (2):

Labcorp Genetics (formerly Invitae), Labcorp
Classification: Likely benign for Primary open angle glaucoma; Glaucoma 1, open angle, E; Amyotrophic lateral sclerosis type 12. Last evaluated: 2023-06-21. Review status: criteria provided, single submitter. Criteria: Invitae Variant Classification Sherloc (09022015). Collection method: clinical testing. Allele origin: germline.

CeGaT Center for Human Genetics Tuebingen
Classification: Likely benign. Last evaluated: 2022-10-01. Review status: criteria provided, single submitter. Criteria: CeGaT Center For Human Genetics Tuebingen Variant Classification Criteria Version 2. Collection method: clinical testing. Allele origin: germline. Affected: yes. Observed: 1 variant allele.
Comment: OPTN: BP4, BP7

NM_001008212.2(OPTN):c.1320A>G (p.Lys440=)

Gene: OPTN (optineurin; plus strand). Cytogenetic location: 10p13.
Variant type: single nucleotide variant.
Coding change: c.1320A>G on transcript NM_001008212.2 (MANE Select); coding-DNA position 1320, A replaced by G.
Protein change: p.Lys440=; no amino-acid change (lysine 440 retained).
Molecular consequence: synonymous variant.
Genome position (GRCh38, 1-based): chr10:13,127,822, A>G. VCF-style: chr10-13127822-A-G. GRCh37 (hg19) VCF-style: chr10-13169822-A-G.
Other names: c.1320A>G, p.Lys440= (NM_001008211.1, NM_001008213.1, NM_021980.4).
Identifiers: ClinVar variation 2640308 (VCV002640308.27), dbSNP rs1459115466, ClinGen allele CA468240834.
Genomic context (GRCh38, chr10:13,127,822, plus strand): 5'-GGCAGTGCTGAAGGAACTGAGTGAAAAACTGGAACTGGCAGAGAAGGCTCTGGCTTCCAA[A>G]CAGCTGCAAATGGATGAAATGAAGCAAACCATTGCCAAGCAGGAAGAGGACCTGGAAACC-3'
Protein context (NP_001008213.1, residues 430-450): LELAEKALAS[Lys440=]QLQMDEMKQT